The following is an entry in ClinVar:

NM_004562.3(PRKN):c.761A>G (p.Asn254Ser)

Gene: PRKN (parkin RBR E3 ubiquitin protein ligase; minus strand). Cytogenetic location: 6q26.
Variant type: single nucleotide variant.
Coding change: c.761A>G on transcript NM_004562.3 (MANE Select); coding-DNA position 761, A replaced by G.
Protein change: p.Asn254Ser; replaces asparagine 254 with serine.
Molecular consequence: missense variant.
Genome position (GRCh38, 1-based): chr6:161,785,882, T>C on the plus strand (A>G on the coding strand, the complement: PRKN is on the minus strand). VCF-style: chr6-161785882-T-C. GRCh37 (hg19) VCF-style: chr6-162206914-T-C.
Other names: c.677A>G, p.Asn226Ser (NM_013987.3); c.314A>G, p.Asn105Ser (NM_013988.3); short protein forms N254S, N226S, N105S.
Identifiers: ClinVar variation 409267 (VCV000409267.13), dbSNP rs139600787, ClinGen allele CA4090236.
Genomic context (GRCh38, chr6:161,785,882, plus strand): 5'-TCATTGAGTCTTGTCACACAGTATAAGTGGAAACAGTCTAAGCAAATCACGTGGCGGGAG[T>C]TGCACTGGAAAACCAGGACGGGGCTCCTGCAGAGAGAAAGGAAGATGTTTCCTCTAGTAC-3'
Protein context (NP_004553.2, residues 244-264): VRSPVLVFQC[Asn254Ser]SRHVICLDCF

ClinVar aggregate classification (germline): Uncertain significance. Review status: criteria provided, multiple submitters, no conflicts (2 of 4 stars). 3 submissions from 3 submitters: Uncertain significance (3). Last evaluated 2022-07-19.

Conditions:
Autosomal recessive juvenile Parkinson disease 2. Also called: Parkinson disease autosomal recessive, early onset; Juvenile parkinsonism; Parkinsonism, early onset, with diurnal fluctuation; PRKN-Related Early-Onset Parkinson Disease; PARKINSON DISEASE, JUVENILE, AUTOSOMAL RECESSIVE; Parkinson disease, juvenile, type 2. Identifiers: Orphanet 2828, MedGen C1868675, MONDO:0010820, OMIM 600116.

Allele frequency attached by ClinVar (database versions not stated): ExAC 0.00002; gnomAD exomes 0.00002; gnomAD 0.00004; TOPMed 0.00005; ESP Exome Variant Server 0.00015.
gnomAD v4.1: 39 of 1,613,688 alleles (0.0024%); highest among the groups gnomAD compares: Middle Eastern, 0.33%; no homozygotes.

Submissions (3):

Labcorp Genetics (formerly Invitae), Labcorp
Classification: Uncertain significance. Last evaluated: 2022-07-19. Review status: criteria provided, single submitter. Criteria: Invitae Variant Classification Sherloc (09022015). Collection method: clinical testing. Allele origin: germline.
Comment: This missense change has been observed in individual(s) with late-onset Parkinson disease (PMID: 32442813). This variant is present in population databases (rs139600787, gnomAD 0.003%). This sequence change replaces asparagine, which is neutral and polar, with serine, which is neutral and polar, at codon 254 of the PRKN protein (p.Asn254Ser). This variant is also known as p.N105S. In summary, the available evidence is currently insufficient to determine the role of this variant in disease. Therefore, it has been classified as a Variant of Uncertain Significance. Algorithms developed to predict the effect of sequence changes on RNA splicing suggest that this variant may create or strengthen a splice site. Experimental studies have shown that this missense change affects PRKN function (PMID: 31285534). Advanced modeling of protein sequence and biophysical properties (such as structural, functional, and spatial information, amino acid conservation, physicochemical variation, residue mobility, and thermodynamic stability) performed at Invitae indicates that this missense variant is not expected to disrupt PRKN protein function. ClinVar contains an entry for this variant (Variation ID: 409267).

Illumina Laboratory Services, Illumina
Classification: Uncertain significance for Autosomal recessive juvenile Parkinson disease 2. Last evaluated: 2017-04-27. Review status: criteria provided, single submitter. Criteria: ICSL Variant Classification Criteria 13 December 2019. Collection method: clinical testing. Allele origin: germline.
Comment: This variant was observed as part of a predisposition screen in an ostensibly healthy population. A literature search was performed for the gene, cDNA change, and amino acid change (where applicable). Publications were found based on this search. However, the evidence from the literature, in combination with allele frequency data from public databases where available, was not sufficient to rule this variant in or out of causing disease. Therefore, this variant is classified as a variant of unknown significance.

Breakthrough Genomics
Classification: Uncertain significance. Review status: criteria provided, single submitter. Criteria: ACMG Guidelines, 2015. Collection method: not provided. Allele origin: germline. Inheritance: Autosomal recessive inheritance. Affected: yes.

Literature cited by the submitters: PubMed 32442813 (cited by Labcorp Genetics (formerly Invitae), Labcorp); PubMed 31285534 (cited by Labcorp Genetics (formerly Invitae), Labcorp); PubMed 19946270 (cited by Illumina Laboratory Services, Illumina).